The following is an entry in ClinVar:

NM_002439.5(MSH3):c.3398C>G (p.Thr1133Ser)

Gene: MSH3 (mutS homolog 3; plus strand). Cytogenetic location: 5q14.1.
Variant type: single nucleotide variant.
Coding change: c.3398C>G on transcript NM_002439.5 (MANE Select); coding-DNA position 3398, C replaced by G.
Protein change: p.Thr1133Ser; replaces threonine 1133 with serine.
Molecular consequence: missense variant.
Genome position (GRCh38, 1-based): chr5:80,875,846, C>G. VCF-style: chr5-80875846-C-G. GRCh37 (hg19) VCF-style: chr5-80171665-C-G.
Other names: short protein forms T1133S.
Identifiers: ClinVar variation 2565636 (VCV002565636.2), dbSNP rs2478809314, ClinGen allele CA360347488.
Genomic context (GRCh38, chr5:80,875,846, plus strand): 5'-TGCATAATGCACAAGACCTGCAGAAGTGGACAGAGGAGTTCAACATGGAAGAAACACAGA[C>G]TTCTCTTCTTCATTAAAATGAAGACTACATTTGTGAACAAAAAATGGAGAATTAAAAATA-3'
Protein context (NP_002430.3, residues 1123-1137): TEEFNMEETQ[Thr1133Ser]SLLH

ClinVar aggregate classification (germline): Uncertain significance (1 of 4 stars; one submission).

Conditions:
Hereditary cancer-predisposing syndrome. Also called: Neoplastic Syndromes, Hereditary; Hereditary Cancer Syndrome; Hereditary neoplastic syndrome; Tumor predisposition. Identifiers: Orphanet 140162, MedGen C0027672, MeSH D009386, MONDO:0015356.

Submission:

Ambry Genetics
Classification: Uncertain significance for Hereditary cancer-predisposing syndrome. Last evaluated: 2023-03-22. Review status: criteria provided, single submitter. Criteria: Ambry Variant Classification Scheme 2023. Collection method: clinical testing. Allele origin: germline.
Comment: The p.T1133S variant (also known as c.3398C>G), located in coding exon 24 of the MSH3 gene, results from a C to G substitution at nucleotide position 3398. The threonine at codon 1133 is replaced by serine, an amino acid with similar properties. This amino acid position is conserved. In addition, this alteration is predicted to be tolerated by in silico analysis. Since supporting evidence is limited at this time, the clinical significance of this alteration remains unclear.